The following is an entry in ClinVar:

NM_006739.4(MCM5):c.1597G>T (p.Ala533Ser)

Gene: MCM5 (minichromosome maintenance complex component 5; plus strand). Cytogenetic location: 22q12.3.
Variant type: single nucleotide variant.
Coding change: c.1597G>T on transcript NM_006739.4 (MANE Select); coding-DNA position 1597, G replaced by T.
Protein change: p.Ala533Ser; replaces alanine 533 with serine.
Molecular consequence: missense variant.
Genome position (GRCh38, 1-based): chr22:35,417,750, G>T. VCF-style: chr22-35417750-G-T. GRCh37 (hg19) VCF-style: chr22-35813743-G-T.
Other names: short protein forms A533S.
Identifiers: ClinVar variation 2160711 (VCV002160711.4), dbSNP rs150495580, ClinGen allele CA10205435.

ClinVar aggregate classification (germline): Uncertain significance (1 of 4 stars; one submission).

Allele frequency attached by ClinVar (database versions not stated): ExAC 0.00004; gnomAD exomes 0.00006; TOPMed 0.00008; gnomAD 0.00009; ESP Exome Variant Server 0.00023.
gnomAD v4.1: 104 of 1,612,986 alleles (0.0064%); highest among the groups gnomAD compares: Non-Finnish European, 0.0081%; no homozygotes.

Submission:

Labcorp Genetics (formerly Invitae), Labcorp
Classification: Uncertain significance. Last evaluated: 2024-06-19. Review status: criteria provided, single submitter. Criteria: Invitae Variant Classification Sherloc (09022015). Collection method: clinical testing. Allele origin: germline.
Comment: This sequence change replaces alanine, which is neutral and non-polar, with serine, which is neutral and polar, at codon 533 of the MCM5 protein (p.Ala533Ser). This variant is present in population databases (rs150495580, gnomAD 0.01%). This variant has not been reported in the literature in individuals affected with MCM5-related conditions. ClinVar contains an entry for this variant (Variation ID: 2160711). Advanced modeling of protein sequence and biophysical properties (such as structural, functional, and spatial information, amino acid conservation, physicochemical variation, residue mobility, and thermodynamic stability) performed at Invitae indicates that this missense variant is not expected to disrupt MCM5 protein function with a negative predictive value of 80%. In summary, the available evidence is currently insufficient to determine the role of this variant in disease. Therefore, it has been classified as a Variant of Uncertain Significance.